The following is an entry in ClinVar:

ClinVar aggregate classification (germline): Conflicting classifications of pathogenicity. Review status: criteria provided, conflicting classifications (1 of 4 stars). 3 submissions from 3 submitters: Uncertain significance (2); Likely benign (1). Last evaluated 2025-12-30.

Conditions:
Nephrolithiasis/nephrocalcinosis. Identifiers: MedGen CN580796.
Lowe syndrome (OCRL). Also called: LOWE OCULOCEREBRORENAL SYNDROME; PHOSPHATIDYLINOSITOL 4,5-BISPHOSPHATE 5-PHOSPHATASE DEFICIENCY; Oculocerebrorenal Syndrome. Identifiers: Orphanet 534, MedGen C0028860, MONDO:0010645, OMIM 309000.

Allele frequency attached by ClinVar (database versions not stated): TOPMed below 0.00001; gnomAD exomes 0.00001 and 0.00002.
gnomAD v4.1: 4 of 1,211,769 alleles (0.00033%); highest among the groups gnomAD compares: Admixed American, 0.0087%; no homozygotes.

Submissions (3):

Labcorp Genetics (formerly Invitae), Labcorp
Classification: Uncertain significance for Lowe syndrome. Last evaluated: 2025-12-30. Review status: criteria provided, single submitter. Criteria: Invitae Variant Classification Sherloc (09022015). Collection method: clinical testing. Allele origin: germline.
Comment: This sequence change replaces glutamic acid, which is acidic and polar, with lysine, which is basic and polar, at codon 618 of the OCRL protein (p.Glu618Lys). This variant is present in population databases (no rsID available, gnomAD 0.01%). This variant has not been reported in the literature in individuals affected with OCRL-related conditions. ClinVar contains an entry for this variant (Variation ID: 1329625). Invitae Evidence Modeling of protein sequence and biophysical properties (such as structural, functional, and spatial information, amino acid conservation, physicochemical variation, residue mobility, and thermodynamic stability) indicates that this missense variant is not expected to disrupt OCRL protein function with a negative predictive value of 80%. In summary, the available evidence is currently insufficient to determine the role of this variant in disease. Therefore, it has been classified as a Variant of Uncertain Significance.

Ambry Genetics
Classification: Likely benign for Nephrolithiasis/nephrocalcinosis. Last evaluated: 2025-08-21. Review status: criteria provided, single submitter. Criteria: Ambry Variant Classification Scheme 2023. Collection method: clinical testing. Allele origin: germline.

GeneDx
Classification: Uncertain significance. Last evaluated: 2022-12-04. Review status: criteria provided, single submitter. Criteria: GeneDx Variant Classification Process June 2021. Collection method: clinical testing. Allele origin: germline. Affected: yes.
Comment: In silico analysis supports that this missense variant does not alter protein structure/function; Has not been previously published as pathogenic or benign to our knowledge

NM_000276.4(OCRL):c.1852G>A (p.Glu618Lys)

Gene: OCRL (OCRL inositol polyphosphate-5-phosphatase; plus strand). Cytogenetic location: Xq26.1.
Variant type: single nucleotide variant.
Coding change: c.1852G>A on transcript NM_000276.4 (MANE Select); coding-DNA position 1852, G replaced by A.
Protein change: p.Glu618Lys; replaces glutamic acid 618 with lysine.
Molecular consequence: missense variant.
Genome position (GRCh38, 1-based): chrX:129,576,035, G>A. VCF-style: chrX-129576035-G-A. GRCh37 (hg19) VCF-style: chrX-128710012-G-A.
Other names: c.1855G>A, p.Glu619Lys (NM_001318784.2); c.1852G>A, p.Glu618Lys (NM_001587.4); short protein forms E618K, E619K.
Identifiers: ClinVar variation 1329625 (VCV001329625.4), dbSNP rs1376122843, ClinGen allele CA414619622.
Genomic context (GRCh38, chrX:129,576,035, plus strand): 5'-CATTTTTCTTTCATCCCTAAACTTAATGACAGCCAGTACTGCAAGCCATGGCTTCGGGCT[G>A]AACCTTTTGAGGGCTACTTGGAGCCAAGTGAGTTTTCCCTTTACCATTGTCTCTGCTGGT-3'
Protein context (NP_000267.2, residues 608-628): SQYCKPWLRA[Glu618Lys]PFEGYLEPNE